The following is an entry in ClinVar:

ClinVar aggregate classification (germline): Likely pathogenic (1 of 4 stars; one submission).

Conditions:
Tooth agenesis, selective, 4 (STHAG4). Also called: SUCCEDANEOUS TEETH, AGENESIS OF; TOOTH AGENESIS, SELECTIVE, 4, WITH OR WITHOUT ECTODERMAL DYSPLASIA; LATERAL INCISORS, ABSENCE OF; LATERAL INCISORS, PEGGED OR MISSING. Identifiers: Orphanet 99798, MedGen C1835492, MONDO:0007881, OMIM 150400. Disease mechanism: loss of function.
Odonto-onycho-dermal dysplasia. Identifiers: Orphanet 2721, MedGen C0796093, MONDO:0009773, OMIM 257980.

Submission:

Labcorp Genetics (formerly Invitae), Labcorp
Classification: Likely pathogenic for Tooth agenesis, selective, 4; Odonto-onycho-dermal dysplasia. Last evaluated: 2024-02-14. Review status: criteria provided, single submitter. Criteria: Invitae Variant Classification Sherloc (09022015). Collection method: clinical testing. Allele origin: germline.
Comment: This sequence change replaces arginine, which is basic and polar, with proline, which is neutral and non-polar, at codon 360 of the WNT10A protein (p.Arg360Pro). This variant is not present in population databases (gnomAD no frequency). This missense change has been observed in individual(s) with clinical features of odontoonychodermal dysplasia (Invitae). In at least one individual the data is consistent with being in trans (on the opposite chromosome) from a pathogenic variant. ClinVar contains an entry for this variant (Variation ID: 862602). Advanced modeling of protein sequence and biophysical properties (such as structural, functional, and spatial information, amino acid conservation, physicochemical variation, residue mobility, and thermodynamic stability) performed at Invitae indicates that this missense variant is expected to disrupt WNT10A protein function with a positive predictive value of 80%. This variant disrupts the p.Arg360 amino acid residue in WNT10A. Other variant(s) that disrupt this residue have been determined to be pathogenic (PMID: 20979233). This suggests that this residue is clinically significant, and that variants that disrupt this residue are likely to be disease-causing. In summary, the currently available evidence indicates that the variant is pathogenic, but additional data are needed to prove that conclusively. Therefore, this variant has been classified as Likely Pathogenic.

Literature cited by the submitters: PubMed 20979233.

NM_025216.3(WNT10A):c.1079G>C (p.Arg360Pro)

Gene: WNT10A (Wnt family member 10A; plus strand). Cytogenetic location: 2q35.
Variant type: single nucleotide variant.
Coding change: c.1079G>C on transcript NM_025216.3 (MANE Select); coding-DNA position 1079, G replaced by C.
Protein change: p.Arg360Pro; replaces arginine 360 with proline.
Molecular consequence: missense variant.
Genome position (GRCh38, 1-based): chr2:218,893,096, G>C. VCF-style: chr2-218893096-G-C. GRCh37 (hg19) VCF-style: chr2-219757818-G-C.
Other names: short protein forms R360P.
Identifiers: ClinVar variation 862602 (VCV000862602.10), dbSNP rs893127185, ClinGen allele CA350591216.
Genomic context (GRCh38, chr2:218,893,096, plus strand): 5'-AAAAGTCTCCCGACTTCTGCGAGCGCGAGCCGCGCCTGGACTCGGCGGGCACCGTGGGCC[G>C]CCTGTGCAACAAGAGCAGCGCCGGCTCGGATGGCTGCGGCAGCATGTGCTGCGGCCGCGG-3'
Protein context (NP_079492.2, residues 350-370): PRLDSAGTVG[Arg360Pro]LCNKSSAGSD